The following is an entry in ClinVar:

NM_005529.7(HSPG2):c.23C>A (p.Ala8Glu)

Gene: HSPG2 (heparan sulfate proteoglycan 2; minus strand). Cytogenetic location: 1p36.12.
Variant type: single nucleotide variant.
Coding change: c.23C>A on transcript NM_005529.7 (MANE Select); coding-DNA position 23, C replaced by A.
Protein change: p.Ala8Glu; replaces alanine 8 with glutamic acid.
Molecular consequence: missense variant.
Genome position (GRCh38, 1-based): chr1:21,937,195, G>T on the plus strand (C>A on the coding strand, the complement: HSPG2 is on the minus strand). VCF-style: chr1-21937195-G-T. GRCh37 (hg19) VCF-style: chr1-22263688-G-T.
Other names: c.23C>A, p.Ala8Glu (NM_001291860.2); c.23C>A (NM_005529.5); short protein forms A8E.
Identifiers: ClinVar variation 1462188 (VCV001462188.6), dbSNP rs1431679446, ClinGen allele CA338910035.
Genomic context (GRCh38, chr1:21,937,195, plus strand): 5'-CCTCTGCCCCGCACACTCACCGCCAGCAGCCGCCCGTGCAGCAGCAGCGCCAGCAGCAGC[G>T]CGCCCGCCGCCCGCCACCCCATGGCCCGGCCCGCGCCGCTCTCTCGCTCGCTCGCTCCGC-3'
Protein context (NP_005520.4, residues 1-18): MGWRAAG[Ala8Glu]LLLALLLHGR

ClinVar aggregate classification (germline): Uncertain significance. Review status: criteria provided, multiple submitters, no conflicts (2 of 4 stars). 2 submissions from 2 submitters: Uncertain significance (2). Last evaluated 2025-09-11.

Conditions:
Inborn genetic diseases. Identifiers: MedGen C0950123, MeSH D030342.

Allele frequency attached by ClinVar (database versions not stated): gnomAD 0.00001; gnomAD exomes 0.00002; TOPMed 0.00002.
gnomAD v4.1: 4 of 1,085,010 alleles (0.00037%); highest among the groups gnomAD compares: Admixed American, 0.0072%; no homozygotes.

Submissions (2):

Ambry Genetics
Classification: Uncertain significance for Inborn genetic diseases. Last evaluated: 2025-09-11. Review status: criteria provided, single submitter. Criteria: Ambry Variant Classification Scheme 2023. Collection method: clinical testing. Allele origin: germline.
Comment: The c.23C>A (p.A8E) alteration is located in exon (coding exon ) of the HSPG2 gene. This alteration results from a C to A substitution at nucleotide position 23, causing the alanine (A) at amino acid position 8 to be replaced by a glutamic acid (E). Based on insufficient or conflicting evidence, the clinical significance of this alteration remains unclear.

Labcorp Genetics (formerly Invitae), Labcorp
Classification: Uncertain significance. Last evaluated: 2024-11-05. Review status: criteria provided, single submitter. Criteria: Invitae Variant Classification Sherloc (09022015). Collection method: clinical testing. Allele origin: germline.
Comment: This sequence change replaces alanine, which is neutral and non-polar, with glutamic acid, which is acidic and polar, at codon 8 of the HSPG2 protein (p.Ala8Glu). This variant is not present in population databases (gnomAD no frequency). This variant has not been reported in the literature in individuals affected with HSPG2-related conditions. ClinVar contains an entry for this variant (Variation ID: 1462188). An algorithm developed to predict the effect of missense changes on protein structure and function (PolyPhen-2) suggests that this variant is likely to be disruptive. In summary, the available evidence is currently insufficient to determine the role of this variant in disease. Therefore, it has been classified as a Variant of Uncertain Significance.